The following is an entry in ClinVar:

ClinVar aggregate classification (germline): Uncertain significance. Review status: criteria provided, multiple submitters, no conflicts (2 of 4 stars). 2 submissions from 2 submitters: Uncertain significance (2). Last evaluated 2025-06-11.

Conditions:
Mucopolysaccharidosis, MPS-IV-A (MPS4A). Also called: Morquio syndrome A, mild; MORQUIO SYNDROME A; GALACTOSAMINE-6-SULFATASE DEFICIENCY; GALNS DEFICIENCY; MORQUIO A DISEASE; Mucopolysaccharidosis type IV A. Identifiers: Orphanet 309297, Orphanet 582, MedGen C0086651, MONDO:0009659, OMIM 253000.

Allele frequency attached by ClinVar (database versions not stated): gnomAD exomes below 0.00001.
gnomAD v4.1: 1 of 1,613,096 alleles (0.000062%); highest among the groups gnomAD compares: Admixed American, 0.0017%; no homozygotes.

Submissions (2):

Revvity Omics, Revvity
Classification: Uncertain significance for Mucopolysaccharidosis, MPS-IV-A. Last evaluated: 2025-06-11. Review status: criteria provided, single submitter. Criteria: ACMG Guidelines, 2015. Collection method: clinical testing. Allele origin: germline.

Labcorp Genetics (formerly Invitae), Labcorp
Classification: Uncertain significance for Mucopolysaccharidosis, MPS-IV-A. Last evaluated: 2024-11-05. Review status: criteria provided, single submitter. Criteria: Invitae Variant Classification Sherloc (09022015). Collection method: clinical testing. Allele origin: germline.
Comment: This sequence change replaces asparagine, which is neutral and polar, with lysine, which is basic and polar, at codon 71 of the GALNS protein (p.Asn71Lys). This variant is present in population databases (no rsID available, gnomAD 0.003%). This variant has not been reported in the literature in individuals affected with GALNS-related conditions. ClinVar contains an entry for this variant (Variation ID: 2073210). Invitae Evidence Modeling of protein sequence and biophysical properties (such as structural, functional, and spatial information, amino acid conservation, physicochemical variation, residue mobility, and thermodynamic stability) has been performed for this missense variant. However, the output from this modeling did not meet the statistical confidence thresholds required to predict the impact of this variant on GALNS protein function. In summary, the available evidence is currently insufficient to determine the role of this variant in disease. Therefore, it has been classified as a Variant of Uncertain Significance.

NM_000512.5(GALNS):c.213C>G (p.Asn71Lys)

Gene: GALNS (galactosamine (N-acetyl)-6-sulfatase; minus strand). Cytogenetic location: 16q24.3.
Variant type: single nucleotide variant.
Coding change: c.213C>G on transcript NM_000512.5 (MANE Select); coding-DNA position 213, C replaced by G.
Protein change: p.Asn71Lys; replaces asparagine 71 with lysine.
Molecular consequence: missense variant. On other transcripts: intron variant (1).
Genome position (GRCh38, 1-based): chr16:88,842,737, G>C on the plus strand (C>G on the coding strand, the complement: GALNS is on the minus strand). VCF-style: chr16-88842737-G-C. GRCh37 (hg19) VCF-style: chr16-88909145-G-C.
Other names: c.231C>G, p.Asn77Lys (NM_001323544.2); c.-311-766C>G (NM_001323543.2); c.213C>G (NM_000512.4); short protein forms N71K, N77K.
Identifiers: ClinVar variation 2073210 (VCV002073210.6), dbSNP rs1303044825, ClinGen allele CA397091420.
Genomic context (GRCh38, chr16:88,842,737, plus strand): 5'-TCCTGGGGGCGAGGGCCCCGCTGACTTACATGGCGAGCACAGAGGGTTGGCAGAATAGAA[G>C]TTTGGGAAAAGCAGCCCTTCTGCAGCCATCCGGTCCAAATTCGGGGTCTCTCTGGAGGGC-3'
Protein context (NP_000503.1, residues 61-81): RMAAEGLLFP[Asn71Lys]FYSANPLCSP